The following is an entry in ClinVar:

NM_024592.5(SRD5A3):c.256T>C (p.Trp86Arg)

Gene: SRD5A3 (steroid 5 alpha-reductase 3; plus strand). Cytogenetic location: 4q12.
Variant type: single nucleotide variant.
Coding change: c.256T>C on transcript NM_024592.5 (MANE Select); coding-DNA position 256, T replaced by C.
Protein change: p.Trp86Arg; replaces tryptophan 86 with arginine.
Molecular consequence: missense variant.
Genome position (GRCh38, 1-based): chr4:55,359,380, T>C. VCF-style: chr4-55359380-T-C. GRCh37 (hg19) VCF-style: chr4-56225547-T-C.
Other names: c.256T>C, p.Trp86Arg (NM_001410732.1); short protein forms W86R.
Identifiers: ClinVar variation 2429406 (VCV002429406.3), dbSNP rs1242426163, ClinGen allele CA356957022.

ClinVar aggregate classification (germline): Uncertain significance (1 of 4 stars; one submission).

Allele frequency attached by ClinVar (database versions not stated): gnomAD 0.00001; gnomAD exomes 0.00001; TOPMed 0.00001.
gnomAD v4.1: 11 of 1,614,058 alleles (0.00068%); highest among the groups gnomAD compares: Admixed American, 0.0017%; no homozygotes.

Submission:

Illumina Laboratory Services, Illumina
Classification: Uncertain significance. Last evaluated: 2022-09-22. Review status: criteria provided, single submitter. Criteria: ICSL CNVClassificationCriteria Aug2020. Collection method: clinical testing. Allele origin: unknown. Affected: yes.
Comment: The SRD5A3 c.256T>C (p.Trp86Arg) missense variant results in the substitution of tryptophan at amino acid position 86 with arginine. To our knowledge, this variant has not been reported in the peer-reviewed literature. This variant is reported in the Genome Aggregation Database in two alleles at a frequency of 0.000013 in the Total population (version 3.1.2). This variant is located in the 3-oxo-5-alpha-steroid 4-dehydrogenase domain. Based on the available evidence, the c.256T>C (p.Trp86Arg) variant is classified as a variant of uncertain significance for SRD5A3-congenital disorder of glycosylation.